The following is an entry in ClinVar:

NM_001005361.3(DNM2):c.2418G>A (p.Ala806=)

Gene: DNM2 (dynamin 2; plus strand). Cytogenetic location: 19p13.2.
Variant type: single nucleotide variant.
Coding change: c.2418G>A on transcript NM_001005361.3 (MANE Select); coding-DNA position 2418, G replaced by A.
Protein change: p.Ala806=; no amino-acid change (alanine 806 retained).
Molecular consequence: synonymous variant.
Genome position (GRCh38, 1-based): chr19:10,830,253, G>A. VCF-style: chr19-10830253-G-A. GRCh37 (hg19) VCF-style: chr19-10940929-G-A.
Other names: c.2418G>A, p.Ala806= (NM_001005360.3, NM_001190716.2); c.2406G>A, p.Ala802= (NM_001005362.3, NM_004945.4).
Identifiers: ClinVar variation 327989 (VCV000327989.20), dbSNP rs200968756, ClinGen allele CA9201618.

ClinVar aggregate classification (germline): Conflicting classifications of pathogenicity. Review status: criteria provided, conflicting classifications (1 of 4 stars). 7 submissions from 6 submitters: Uncertain significance (2); Likely benign (5). Last evaluated 2026-08-07.

Conditions:
Charcot-Marie-Tooth disease dominant intermediate B (CMTDIB). Also called: CHARCOT-MARIE-TOOTH NEUROPATHY, DOMINANT INTERMEDIATE B; Charcot-Marie-Tooth disease dominant intermediate 1; CMT DI1; Charcot-Marie-Tooth disease dominant intermediate I. Identifiers: Orphanet 100044, Orphanet 228179, MedGen C1847902, MONDO:0011674, OMIM 606482.
Autosomal dominant centronuclear myopathy. Also called: Myopathy, centronuclear, 3; MYOTUBULAR MYOPATHY, AUTOSOMAL DOMINANT. Identifiers: Orphanet 169189, MedGen C4551952, MeSH D020914, MONDO:0008048, OMIM 160150.
DNM2-related disorder. Also called: DNM2-related condition.
Inborn genetic diseases. Identifiers: MedGen C0950123, MeSH D030342.

Allele frequency attached by ClinVar (database versions not stated): gnomAD 0.00004 and 0.00005; TOPMed 0.00008; 1000 Genomes Project 0.00020; 1000 Genomes Project 30x 0.00031.
gnomAD v4.1: 314 of 1,613,828 alleles (0.019%); highest among the groups gnomAD compares: Non-Finnish European, 0.026%; no homozygotes.

Submissions (7):

PreventionGenetics, part of Exact Sciences
Classification: Likely benign for DNM2-related condition. Last evaluated: 2026-08-07. Review status: criteria provided, single submitter. Criteria: ACMG Guidelines, 2015. Collection method: clinical testing. Allele origin: germline.
Comment: This variant is classified as likely benign based on ACMG/AMP sequence variant interpretation guidelines (Richards et al. 2015 PMID: 25741868, with internal and published modifications).

Labcorp Genetics (formerly Invitae), Labcorp
Classification: Likely benign for Charcot-Marie-Tooth disease dominant intermediate B. Last evaluated: 2025-12-10. Review status: criteria provided, single submitter. Criteria: Invitae Variant Classification Sherloc (09022015). Collection method: clinical testing. Allele origin: germline.

Blueprint Genetics
Classification: Likely benign. Last evaluated: 2023-12-12. Review status: criteria provided, single submitter. Criteria: ACMG Guidelines, 2015. Collection method: clinical testing. Allele origin: germline.

GeneDx
Classification: Likely benign. Last evaluated: 2021-10-23. Review status: criteria provided, single submitter. Criteria: GeneDx Variant Classification Process June 2021. Collection method: clinical testing. Allele origin: germline. Affected: yes.

Ambry Genetics
Classification: Likely benign for Inborn genetic diseases. Last evaluated: 2019-07-11. Review status: criteria provided, single submitter. Criteria: Ambry Variant Classification Scheme 2023. Collection method: clinical testing. Allele origin: germline.

Illumina Laboratory Services, Illumina
Classification: Uncertain significance for Charcot-Marie-Tooth disease dominant intermediate B. Last evaluated: 2018-01-13. Review status: criteria provided, single submitter. Criteria: ICSL Variant Classification Criteria 13 December 2019. Collection method: clinical testing. Allele origin: germline.

Illumina Laboratory Services, Illumina
Classification: Uncertain significance for Autosomal dominant centronuclear myopathy. Last evaluated: 2018-01-13. Review status: criteria provided, single submitter. Criteria: ICSL Variant Classification Criteria 13 December 2019. Collection method: clinical testing. Allele origin: germline.